The following is an entry in ClinVar:

ClinVar aggregate classification (germline): Benign/Likely benign. Review status: criteria provided, multiple submitters, no conflicts (2 of 4 stars). 4 submissions from 4 submitters: Benign (1); Likely benign (3). Last evaluated 2026-06-17.

Conditions:
Gastrointestinal stromal tumor. Also called: Gastrointestinal stroma tumor; Gastrointestinal stromal tumor, somatic. Identifiers: Orphanet 44890, MedGen C0238198, MeSH D046152, MONDO:0011719, OMIM 606764, HP:0100723.
Polyps, multiple and recurrent inflammatory fibroid, gastrointestinal. Identifiers: MedGen C5193005, MONDO:0008285, OMIM 175510.
Hereditary cancer-predisposing syndrome. Also called: Neoplastic Syndromes, Hereditary; Hereditary Cancer Syndrome; Hereditary neoplastic syndrome; Tumor predisposition. Identifiers: Orphanet 140162, MedGen C0027672, MeSH D009386, MONDO:0015356.

Allele frequency attached by ClinVar (database versions not stated): gnomAD exomes 0.00001 and 0.00003; ExAC 0.00006; TOPMed 0.00007; ESP Exome Variant Server 0.00008; gnomAD 0.00009; 1000 Genomes Project 0.00020; 1000 Genomes Project 30x 0.00031.
gnomAD v4.1: 24 of 1,614,072 alleles (0.0015%); highest among the groups gnomAD compares: African/African-American, 0.025%; no homozygotes.

Submissions (4):

Myriad Genetics, Inc.
Classification: Benign for Polyps, multiple and recurrent inflammatory fibroid, gastrointestinal. Last evaluated: 2026-06-17. Review status: criteria provided, single submitter. Criteria: Myriad Autosomal Dominant, Autosomal Recessive and X-Linked Classification Criteria (2023). Collection method: clinical testing. Allele origin: unknown.
Comment: This variant is considered benign. This variant is a silent/synonymous amino acid change and it is not expected to impact splicing.

Labcorp Genetics (formerly Invitae), Labcorp
Classification: Likely benign for Gastrointestinal stromal tumor. Last evaluated: 2025-12-01. Review status: criteria provided, single submitter. Criteria: Invitae Variant Classification Sherloc (09022015). Collection method: clinical testing. Allele origin: germline.

Ambry Genetics
Classification: Likely benign for Hereditary cancer-predisposing syndrome. Last evaluated: 2022-02-13. Review status: criteria provided, single submitter. Criteria: Ambry Variant Classification Scheme 2023. Collection method: clinical testing. Allele origin: germline.

Sema4
Classification: Likely benign for Hereditary cancer-predisposing syndrome. Last evaluated: 2021-04-30. Review status: criteria provided, single submitter. Criteria: Sema4 Curation Guidelines. Collection method: curation. Allele origin: germline.

NM_006206.6(PDGFRA):c.2541G>A (p.Ser847=)

Gene: PDGFRA (platelet derived growth factor receptor alpha; plus strand). Cytogenetic location: 4q12.
Variant type: single nucleotide variant.
Coding change: c.2541G>A on transcript NM_006206.6 (MANE Select); coding-DNA position 2541, G replaced by A.
Protein change: p.Ser847=; no amino-acid change (serine 847 retained).
Molecular consequence: synonymous variant.
Genome position (GRCh38, 1-based): chr4:54,285,942, G>A. VCF-style: chr4-54285942-G-A. GRCh37 (hg19) VCF-style: chr4-55152109-G-A.
Other names: c.2616G>A, p.Ser872= (NM_001347828.2); c.2541G>A, p.Ser847= (NM_001347829.2); c.2580G>A, p.Ser860= (NM_001347830.2).
Identifiers: ClinVar variation 414487 (VCV000414487.16), dbSNP rs370355869, ClinGen allele CA2922885.